The following is an entry in ClinVar:

NM_020975.6(RET):c.2071G>A (p.Gly691Ser)

Gene: RET (ret proto-oncogene; plus strand). Cytogenetic location: 10q11.21.
Variant type: single nucleotide variant.
Coding change: c.2071G>A on transcript NM_020975.6 (MANE Select); coding-DNA position 2071, G replaced by A.
Protein change: p.Gly691Ser; replaces glycine 691 with serine.
Molecular consequence: missense variant.
Genome position (GRCh38, 1-based): chr10:43,114,671, G>A. VCF-style: chr10-43114671-G-A. GRCh37 (hg19) VCF-style: chr10-43610119-G-A.
Other names: p.G691S:GGT>AGT; c.1936G>A, p.Gly646Ser (NM_001406763.1, NM_001406765.1); c.1942G>A, p.Gly648Ser (NM_001406764.1, NM_001406761.1, NM_001406762.1); c.1783G>A, p.Gly595Ser (NM_001406766.1, NM_001406767.1, NM_001406770.1); c.1807G>A, p.Gly603Ser (NM_001406768.1); c.1675G>A, p.Gly559Ser (NM_001406769.1, NM_001406772.1); c.1633G>A, p.Gly545Ser (NM_001406771.1, NM_001406773.1); c.1174G>A, p.Gly392Ser (NM_001406782.1, NM_001406779.1, NM_001406780.1 and 1 more transcripts); and 11 more; short protein forms G437S, G347S, G349S, G392S, G545S, G603S, G648S, G296S.
Identifiers: ClinVar variation 24934 (VCV000024934.53), dbSNP rs1799939, ClinGen allele CA008562.
Genomic context (GRCh38, chr10:43,114,671, plus strand): 5'-TCAGCTGAGATGACCTTCCGGAGGCCCGCCCAGGCCTTCCCGGTCAGCTACTCCTCTTCC[G>A]GTGCCCGCCGGCCCTCGCTGGACTCCATGGAGAACCAGGTCTCCGTGGATGCCTTCAAGA-3'
Protein context (NP_066124.1, residues 681-701): QAFPVSYSSS[Gly691Ser]ARRPSLDSME

ClinVar aggregate classification (germline): Conflicting classifications of pathogenicity. Review status: criteria provided, conflicting classifications (1 of 4 stars). 30 submissions from 26 submitters: Uncertain significance (1); Benign (19); Likely benign (5). 5 of the submissions do not count toward it. Last evaluated 2026-02-04.

Conditions:
Prostate neoplasm. Identifiers: MedGen C0033578, MeSH D011471, MONDO:0021259, HP:0100787.
Hereditary cancer-predisposing syndrome. Also called: Neoplastic Syndromes, Hereditary; Tumor predisposition; Hereditary Cancer Syndrome; Hereditary neoplastic syndrome. Identifiers: Orphanet 140162, MedGen C0027672, MeSH D009386, MONDO:0015356.
Multiple endocrine neoplasia. Identifiers: Orphanet 276161, MedGen C0027662, MONDO:0017169.
Multiple endocrine neoplasia, type 2 (MEN2). Identifiers: Orphanet 653, MedGen C4048306, MONDO:0019003. Disease mechanism: gain of function.
Multiple endocrine neoplasia type 2B. Also called: MEN IIB; NEUROMATA, MUCOSAL, WITH ENDOCRINE TUMORS; MEN 2B; Multiple endocrine neoplasia, type 3; Multiple Endocrine Neoplasia Type 2B (MEN2B); MUCOSAL NEUROMA SYNDROME. Identifiers: Orphanet 247709, Orphanet 653, MedGen C0025269, MeSH D018814, MONDO:0008082, OMIM 162300.
Hirschsprung disease, susceptibility to, 1 (HSCR1). Also called: RET-Related Hirschsprung Disease. Identifiers: Orphanet 388, MedGen C3888239, MONDO:0007723, OMIM 142623.
Multiple endocrine neoplasia type 2A. Also called: Multiple Endocrine Neoplasia Type 2A (MEN2A); MULTIPLE ENDOCRINE NEOPLASIA, TYPE IIA; PTC SYNDROME; SIPPLE SYNDROME; MEN 2A; MEN-2A syndrome. Identifiers: Orphanet 247698, Orphanet 653, MedGen C0025268, MeSH D018813, MONDO:0008234, OMIM 171400.
Pheochromocytoma. Also called: MAX-Related Hereditary Paraganglioma-Pheochromocytoma Syndrome. Identifiers: Orphanet 29072, MedGen C0031511, MONDO:0008233, OMIM 171300, HP:0002666.
Renal hypodysplasia/aplasia 1 (RHDA1). Also called: HEREDITARY RENAL APLASIA; RENAL APLASIA. Identifiers: Orphanet 411709, MedGen C1619700, MONDO:0024519, OMIM 191830.

Allele frequency attached by ClinVar (database versions not stated): 1000 Genomes Project 0.16913; 1000 Genomes Project 30x 0.17067; ExAC 0.20332; gnomAD 0.16640 and 0.16948; ESP Exome Variant Server 0.15700; TOPMed 0.16999; gnomAD exomes 0.21021.
gnomAD v4.1: 296,249 of 1,612,242 alleles (18%); highest among the groups gnomAD compares: Admixed American, 32%; 29,287 homozygotes.

Submissions 1 to 21 of 34:

Labcorp Genetics (formerly Invitae), Labcorp
Classification: Benign for Multiple endocrine neoplasia, type 2. Last evaluated: 2026-02-04. Review status: criteria provided, single submitter. Criteria: Invitae Variant Classification Sherloc (09022015). Collection method: clinical testing. Allele origin: germline.

Genomic Medicine Center of Excellence, King Faisal Specialist Hospital and Research Centre
Classification: Likely benign for Prostate neoplasm. Last evaluated: 2025-07-30. Review status: criteria provided, single submitter. Criteria: ACMG Guidelines, 2015. Collection method: clinical testing. Allele origin: germline.

GeneKor MSA
Classification: Benign for Hereditary cancer-predisposing syndrome. Last evaluated: 2025-07-10. Review status: criteria provided, single submitter. Criteria: ACMG Guidelines, 2015. Collection method: clinical testing. Allele origin: germline.

Myriad Genetics, Inc.
Classification: Benign for Multiple endocrine neoplasia type 2A. Last evaluated: 2025-02-26. Review status: criteria provided, single submitter. Criteria: Myriad Autosomal Dominant, Autosomal Recessive and X-Linked Classification Criteria (2023). Collection method: clinical testing. Allele origin: unknown.
Comment: This variant is considered benign. This variant has been observed at a population frequency that is significantly greater than expected given the associated disease prevalence and penetrance.

KCCC/NGS Laboratory, Kuwait Cancer Control Center
Classification: Benign for Pheochromocytoma. Last evaluated: 2025-02-01. Review status: criteria provided, single submitter. Criteria: ACMG Guidelines, 2015. Collection method: clinical testing. Allele origin: germline. Affected: no.

Hereditary Cancer Laboratory, Hospital Universitario 12 de Octubre
Classification: Benign for Hereditary cancer-predisposing syndrome. Last evaluated: 2025-01-01. Review status: criteria provided, single submitter. Criteria: ACMG Guidelines, 2015. Collection method: clinical testing. Allele origin: germline.
Comment: BA1+BP4

Blueprint Genetics
Classification: Benign. Last evaluated: 2024-11-27. Review status: criteria provided, single submitter. Criteria: ACMG Guidelines, 2015. Collection method: clinical testing. Allele origin: germline.

All of Us Research Program, National Institutes of Health
Classification: Benign for Multiple endocrine neoplasia, type 2. Last evaluated: 2024-10-03. Review status: criteria provided, single submitter. Criteria: ACMG Guidelines, 2015. Collection method: clinical testing. Allele origin: germline. Inheritance: Autosomal dominant inheritance. Observed: 48,744 variant alleles, 43,135 heterozygotes, 5,599 homozygotes, 10 hemizygotes.
Comment: This study involves interpretation of variants in research participants for the purpose of population health screening. Participant phenotype was not available at the time of variant classification. Additional details can be found in publication PMID: 35346344, PMCID: PMC8962531

KCCC/NGS Laboratory, Kuwait Cancer Control Center
Classification: Benign for Multiple endocrine neoplasia type 2B. Last evaluated: 2023-07-07. Review status: criteria provided, single submitter. Criteria: ACMG Guidelines, 2015. Collection method: clinical testing. Allele origin: germline. Affected: yes.

ARUP Laboratories, Molecular Genetics and Genomics, ARUP Laboratories
Classification: Benign. Last evaluated: 2021-01-04. Review status: criteria provided, single submitter. Criteria: ARUP Molecular Germline Variant Investigation Process 2021. Collection method: clinical testing. Allele origin: germline.

Dubai Health Genomic Medicine Center, Dubai Health
Classification: Benign. Last evaluated: 2020-12-10. Review status: criteria provided, single submitter. Criteria: ACMG Guidelines, 2015. Collection method: clinical testing. Allele origin: germline. Affected: yes.

Genetics and Molecular Pathology, SA Pathology
Classification: Benign for Multiple endocrine neoplasia type 2A. Last evaluated: 2019-08-06. Review status: criteria provided, single submitter. Criteria: ACMG Guidelines, 2015. Collection method: clinical testing. Allele origin: germline. Inheritance: Autosomal dominant inheritance. Affected: yes.

Color Diagnostics, LLC DBA Color Health
Classification: Benign for Multiple endocrine neoplasia, type 2. Last evaluated: 2019-03-28. Review status: criteria provided, single submitter. Criteria: ACMG Guidelines, 2015. Collection method: clinical testing. Allele origin: germline.

Mayo Clinic Laboratories, Mayo Clinic
Classification: Benign. Last evaluated: 2018-11-19. Review status: criteria provided, single submitter. Criteria: ACMG Guidelines, 2015. Collection method: clinical testing. Allele origin: germline. Observed: 553 variant alleles.

Athena Diagnostics
Classification: Benign. Last evaluated: 2017-11-01. Review status: criteria provided, single submitter. Criteria: Athena Diagnostics Criteria. Collection method: clinical testing. Allele origin: germline.

Illumina Laboratory Services, Illumina
Classification: Likely benign for Multiple endocrine neoplasia. Last evaluated: 2017-04-27. Review status: criteria provided, single submitter. Criteria: ICSL Variant Classification Criteria 13 December 2019. Collection method: clinical testing. Allele origin: germline.
Comment: This variant was observed as part of a predisposition screen in an ostensibly healthy population. A literature search was performed for the gene, cDNA change, and amino acid change (where applicable). No publications were found based on this search. Allele frequency data from public databases allowed determination this variant is unlikely to cause disease. Therefore, this variant is classified as likely benign.

Illumina Laboratory Services, Illumina
Classification: Likely benign for Renal hypodysplasia/aplasia 1. Last evaluated: 2017-04-27. Review status: criteria provided, single submitter. Criteria: ICSL Variant Classification Criteria 13 December 2019. Collection method: clinical testing. Allele origin: germline.
Comment: the same text as in the submission from Illumina Laboratory Services, Illumina above.

Illumina Laboratory Services, Illumina
Classification: Likely benign for Hirschsprung disease, susceptibility to, 1. Last evaluated: 2017-04-27. Review status: criteria provided, single submitter. Criteria: ICSL Variant Classification Criteria 13 December 2019. Collection method: clinical testing. Allele origin: germline.
Comment: the same text as in the submission from Illumina Laboratory Services, Illumina above.

Illumina Laboratory Services, Illumina
Classification: Likely benign for Pheochromocytoma. Last evaluated: 2017-04-27. Review status: criteria provided, single submitter. Criteria: ICSL Variant Classification Criteria 13 December 2019. Collection method: clinical testing. Allele origin: germline.
Comment: the same text as in the submission from Illumina Laboratory Services, Illumina above.

Center for Human Genetics, Inc
Classification: Uncertain significance for Multiple endocrine neoplasia type 2A. Last evaluated: 2016-11-01. Review status: criteria provided, single submitter. Criteria: ACMG Guidelines, 2015. Collection method: clinical testing. Allele origin: germline. Affected: yes.

GeneDx
Classification: Benign. Last evaluated: 2016-10-31. Review status: criteria provided, single submitter. Criteria: GeneDx Variant Classification (06012015). Collection method: clinical testing. Allele origin: germline. Affected: yes.
Comment: This variant is considered likely benign or benign based on one or more of the following criteria: it is a conservative change, it occurs at a poorly conserved position in the protein, it is predicted to be benign by multiple in silico algorithms, and/or has population frequency not consistent with disease.